The following is an entry in ClinVar:

ClinVar aggregate classification (germline): Likely benign (1 of 4 stars; one submission).

Conditions:
AFF4-related disorder. Also called: AFF4-related condition.

Submission:

PreventionGenetics, part of Exact Sciences
Classification: Likely benign for AFF4-related condition. Last evaluated: 2025-08-29. Review status: criteria provided, single submitter. Criteria: ACMG Guidelines, 2015. Collection method: clinical testing. Allele origin: germline.
Comment: This variant is classified as likely benign based on ACMG/AMP sequence variant interpretation guidelines (Richards et al. 2015 PMID: 25741868, with internal and published modifications).

NM_014423.4(AFF4):c.2797-8T>C

Gene: AFF4 (ALF transcription elongation factor 4; minus strand). Cytogenetic location: 5q31.1.
Variant type: single nucleotide variant.
Coding change: c.2797-8T>C on transcript NM_014423.4 (MANE Select); 8 bases into the intron before coding-DNA position 2797, T replaced by C.
Molecular consequence: intron variant.
Genome position (GRCh38, 1-based): chr5:132,887,990, A>G on the plus strand (T>C on the coding strand, the complement: AFF4 is on the minus strand). VCF-style: chr5-132887990-A-G. GRCh37 (hg19) VCF-style: chr5-132223682-A-G.
Identifiers: ClinVar variation 4995774 (VCV004995774.1).